The following is an entry in ClinVar:

NM_016219.5(MAN1B1):c.787G>A (p.Gly263Arg)

Gene: MAN1B1 (mannosidase alpha class 1B member 1; plus strand). Cytogenetic location: 9q34.3.
Variant type: single nucleotide variant.
Coding change: c.787G>A on transcript NM_016219.5 (MANE Select); coding-DNA position 787, G replaced by A.
Protein change: p.Gly263Arg; replaces glycine 263 with arginine.
Molecular consequence: missense variant. On other transcripts: non-coding transcript variant (2).
Genome position (GRCh38, 1-based): chr9:137,099,752, G>A. VCF-style: chr9-137099752-G-A. GRCh37 (hg19) VCF-style: chr9-139994204-G-A.
Other names: short protein forms G263R.
Identifiers: ClinVar variation 4527640 (VCV004527640.2).

ClinVar aggregate classification (germline): Uncertain significance (1 of 4 stars; one submission).

Submission:

GeneDx
Classification: Uncertain significance. Last evaluated: 2026-04-21. Review status: criteria provided, single submitter. Criteria: GeneDx Variant Classification Process June 2021. Collection method: clinical testing. Allele origin: germline.
Comment: Not observed at significant frequency in large population cohorts (gnomAD); In silico analysis supports that this missense variant has a deleterious effect on protein structure/function; Has not been previously published as pathogenic or benign to our knowledge